The following is an entry in ClinVar:

NM_004360.5(CDH1):c.2206G>T (p.Val736Leu)

Gene: CDH1 (cadherin 1; plus strand). Cytogenetic location: 16q22.1.
Variant type: single nucleotide variant.
Coding change: c.2206G>T on transcript NM_004360.5 (MANE Select); coding-DNA position 2206, G replaced by T.
Protein change: p.Val736Leu; replaces valine 736 with leucine.
Molecular consequence: missense variant.
Genome position (GRCh38, 1-based): chr16:68,828,215, G>T. VCF-style: chr16-68828215-G-T. GRCh37 (hg19) VCF-style: chr16-68862118-G-T.
Other names: c.2023G>T, p.Val675Leu (NM_001317184.2); c.658G>T, p.Val220Leu (NM_001317185.2); c.241G>T, p.Val81Leu (NM_001317186.2); short protein forms V675L, V220L, V736L, V81L.
Identifiers: ClinVar variation 5033931 (VCV005033931.1).

ClinVar aggregate classification (germline): Uncertain significance (1 of 4 stars; one submission).

Conditions:
Hereditary cancer-predisposing syndrome. Also called: Neoplastic Syndromes, Hereditary; Tumor predisposition; Hereditary neoplastic syndrome; Hereditary Cancer Syndrome. Identifiers: Orphanet 140162, MedGen C0027672, MeSH D009386, MONDO:0015356.

Submission:

Ambry Genetics
Classification: Uncertain significance for Hereditary cancer-predisposing syndrome. Last evaluated: 2026-07-06. Review status: criteria provided, single submitter. Criteria: Ambry Variant Classification Scheme 2023. Collection method: clinical testing. Allele origin: germline.
Comment: The p.V736L variant (also known as c.2206G>T), located in coding exon 14 of the CDH1 gene, results from a G to T substitution at nucleotide position 2206. The valine at codon 736 is replaced by leucine, an amino acid with highly similar properties. This amino acid position is conserved. In addition, this alteration is predicted to be tolerated by in silico analysis. Based on the available evidence, the clinical significance of this variant remains unclear.